The following is an entry in ClinVar:

ClinVar aggregate classification (germline): Pathogenic. Review status: criteria provided, multiple submitters, no conflicts (2 of 4 stars). 10 submissions from 10 submitters: Pathogenic (9). 1 of the submissions does not count toward it. Last evaluated 2026-01-21.

Conditions:
Enterokinase deficiency. Also called: ENTEROPEPTIDASE DEFICIENCY; Deficiency of enteropeptidase; Congenital enteropathy due to enteropeptidase deficiency. Identifiers: Orphanet 168601, MedGen C0268416, MONDO:0009173, OMIM 226200.

Allele frequency attached by ClinVar (database versions not stated): 1000 Genomes Project 0.00020; 1000 Genomes Project 30x 0.00031; gnomAD exomes 0.00063; gnomAD 0.00064 and 0.00065; ExAC 0.00065; TOPMed 0.00067.
gnomAD v4.1: 2,149 of 1,613,954 alleles (0.13%); highest among the groups gnomAD compares: Non-Finnish European, 0.17%; 2 homozygotes.

Submissions (10):

Labcorp Genetics (formerly Invitae), Labcorp
Classification: Pathogenic. Last evaluated: 2026-01-21. Review status: criteria provided, single submitter. Criteria: Invitae Variant Classification Sherloc (09022015). Collection method: clinical testing. Allele origin: germline.
Comment: This sequence change creates a premature translational stop signal (p.Ser712*) in the TMPRSS15 gene. It is expected to result in an absent or disrupted protein product. Loss-of-function variants in TMPRSS15 are known to be pathogenic (PMID: 11719902). This variant is present in population databases (rs77200626, gnomAD 0.1%), and has an allele count higher than expected for a pathogenic variant. This premature translational stop signal has been observed in individual(s) with congenital enteropeptidase deficiency (PMID: 11719902). It has also been observed to segregate with disease in related individuals. ClinVar contains an entry for this variant (Variation ID: 4164). For these reasons, this variant has been classified as Pathogenic.

GeneDx
Classification: Pathogenic. Last evaluated: 2025-11-23. Review status: criteria provided, single submitter. Criteria: GeneDx Variant Classification Process June 2021. Collection method: clinical testing. Allele origin: germline. Affected: yes.
Comment: Nonsense variant predicted to result in protein truncation or nonsense mediated decay in a gene for which loss of function is a known mechanism of disease; This variant is associated with the following publications: (PMID: 20981092, 22344438, 29431110, 1147667, 31589614, 11719902, 31980526)

First Genomix Gene Laboratory, Genetic Diagnostics Department
Classification: Pathogenic for Enterokinase deficiency. Last evaluated: 2025-01-14. Review status: criteria provided, single submitter. Criteria: ACMG Guidelines, 2015. Collection method: clinical testing. Allele origin: germline. Inheritance: Autosomal recessive inheritance. Affected: no. Observed: 1 variant allele.

Revvity Omics, Revvity
Classification: Pathogenic for Enterokinase deficiency. Last evaluated: 2024-07-23. Review status: criteria provided, single submitter. Criteria: ACMG Guidelines, 2015. Collection method: clinical testing. Allele origin: germline.

Genomic Medicine Center of Excellence, King Faisal Specialist Hospital and Research Centre
Classification: Pathogenic for Enterokinase deficiency. Last evaluated: 2024-03-14. Review status: criteria provided, single submitter. Criteria: ACMG Guidelines, 2015. Collection method: clinical testing. Allele origin: germline.

Department of Pathology and Laboratory Medicine, Sinai Health System
Classification: Pathogenic for Enterokinase deficiency. Last evaluated: 2023-01-04. Review status: criteria provided, single submitter. Criteria: ACMG Guidelines, 2015. Collection method: research. Allele origin: germline.

CeGaT Center for Human Genetics Tuebingen
Classification: Pathogenic. Last evaluated: 2022-10-01. Review status: criteria provided, single submitter. Criteria: CeGaT Center For Human Genetics Tuebingen Variant Classification Criteria Version 2. Collection method: clinical testing. Allele origin: germline. Affected: yes. Observed: 1 variant allele.
Comment: TMPRSS15: PVS1, PM3, PM2:Supporting

Genetics and Molecular Pathology, SA Pathology
Classification: Pathogenic for Enterokinase deficiency. Last evaluated: 2022-07-08. Review status: criteria provided, single submitter. Criteria: ACMG Guidelines, 2015. Collection method: clinical testing. Allele origin: germline. Inheritance: Autosomal recessive inheritance. Affected: yes.
Comment: The TMPRSS15 c.2135C>G variant is classified as Pathogenic (PVS1, PM2, PP1) The TMPRSS15 c.2135C>G variant is a single nucleotide change which is predicted to result in premature termination of the protein product at codon 712. The variant is rare in population databases (gnomAD allele frequency = 0.064%; 98 het and 0 hom in 152120 sequenced alleles; highest frequency = 0.11%, Non-Finnish European population) (PM2). This variant has been reported to segregate with congenital enteropeptidase deficiency in a family with 2 affected siblings (PMID: 11719902) ); PP1). The variant has been reported in dbSNP (rs77200626) and has been reported with Conflicting interpretations of pathogenicity by other diagnostic laboratories (ClinVar Variation ID: 4164). It has not been reported in HGMD.

Genetic Diagnostics Department, Viafet Genomics Laboratory
Classification: Pathogenic for Enterokinase deficiency. Last evaluated: 2021-08-23. Review status: criteria provided, single submitter. Criteria: ACMG Guidelines, 2015. Collection method: clinical testing. Allele origin: germline. Inheritance: Autosomal recessive inheritance. Affected: no. Observed: 1 variant allele, 1 heterozygote.
Comment: This variant is present in exon 18/25 in the only transcript of this gene. Several loss-of-function variants are reported as disease-causing in HGMD and/or ClinVar after this position. Holzinger et al., 2002 have identified this variant in a compound heterozygous state in 2 siblings affected with Enterokinase deficiency (PMID: 11719902).

OMIM
Classification: Pathogenic for ENTEROKINASE DEFICIENCY. Last evaluated: 2002-01-01. Review status: no assertion criteria provided. Collection method: literature only. Allele origin: germline. Not counted in ClinVar's aggregate classification.

Literature cited by the submitters: PubMed 11719902 (cited by 4 submitters); PubMed 1147667 (cited by OMIM).

NM_002772.3(TMPRSS15):c.2135C>G (p.Ser712Ter)

Gene: TMPRSS15 (transmembrane serine protease 15; minus strand). Cytogenetic location: 21q21.1.
Variant type: single nucleotide variant.
Coding change: c.2135C>G on transcript NM_002772.3 (MANE Select); coding-DNA position 2135, C replaced by G.
Protein change: p.Ser712Ter; replaces serine 712 with a stop codon.
Molecular consequence: nonsense.
Genome position (GRCh38, 1-based): chr21:18,312,975, G>C on the plus strand (C>G on the coding strand, the complement: TMPRSS15 is on the minus strand). VCF-style: chr21-18312975-G-C. GRCh37 (hg19) VCF-style: chr21-19685292-G-C.
Other names: short protein forms S712*.
Identifiers: ClinVar variation 4164 (VCV000004164.48), dbSNP rs77200626, ClinGen allele CA116666.